The following is an entry in ClinVar:

ClinVar aggregate classification (germline): Uncertain significance. Review status: criteria provided, multiple submitters, no conflicts (2 of 4 stars). 2 submissions from 2 submitters: Uncertain significance (2). Last evaluated 2025-12-01.

Conditions:
Dystonia 12 (DYT12). Also called: Rapid-Onset Dystonia-Parkinsonism (RDP); DYT-ATP1A3. Identifiers: Orphanet 71517, MedGen C1868681, MONDO:0007496, OMIM 128235.

Submissions (2):

Labcorp Genetics (formerly Invitae), Labcorp
Classification: Uncertain significance for Dystonia 12. Last evaluated: 2025-12-01. Review status: criteria provided, single submitter. Criteria: Invitae Variant Classification Sherloc (09022015). Collection method: clinical testing. Allele origin: germline.
Comment: This sequence change replaces leucine, which is neutral and non-polar, with proline, which is neutral and non-polar, at codon 999 of the ATP1A3 protein (p.Leu999Pro). This variant is not present in population databases (gnomAD no frequency). This variant has not been reported in the literature in individuals affected with ATP1A3-related conditions. ClinVar contains an entry for this variant (Variation ID: 1497613). Invitae Evidence Modeling of protein sequence and biophysical properties (such as structural, functional, and spatial information, amino acid conservation, physicochemical variation, residue mobility, and thermodynamic stability) indicates that this missense variant is expected to disrupt ATP1A3 protein function with a positive predictive value of 95%. In summary, the available evidence is currently insufficient to determine the role of this variant in disease. Therefore, it has been classified as a Variant of Uncertain Significance.

GeneDx
Classification: Uncertain significance. Last evaluated: 2022-05-09. Review status: criteria provided, single submitter. Criteria: GeneDx Variant Classification Process June 2021. Collection method: clinical testing. Allele origin: germline. Affected: yes.
Comment: Not observed at significant frequency in large population cohorts (gnomAD); In silico analysis supports that this missense variant has a deleterious effect on protein structure/function; Has not been previously published as pathogenic or benign to our knowledge

NM_152296.5(ATP1A3):c.2996T>C (p.Leu999Pro)

Gene: ATP1A3 (ATPase Na+/K+ transporting subunit alpha 3; minus strand). Cytogenetic location: 19q13.2.
Variant type: single nucleotide variant.
Coding change: c.2996T>C on transcript NM_152296.5 (MANE Select); coding-DNA position 2996, T replaced by C.
Protein change: p.Leu999Pro; replaces leucine 999 with proline.
Molecular consequence: missense variant.
Genome position (GRCh38, 1-based): chr19:41,967,266, A>G on the plus strand (T>C on the coding strand, the complement: ATP1A3 is on the minus strand). VCF-style: chr19-41967266-A-G. GRCh37 (hg19) VCF-style: chr19-42471418-A-G.
Other names: c.3029T>C, p.Leu1010Pro (NM_001256213.2); c.3035T>C, p.Leu1012Pro (NM_001256214.2); short protein forms L1010P, L1012P, L999P.
Identifiers: ClinVar variation 1497613 (VCV001497613.10), dbSNP rs2145941265, ClinGen allele CA406034988.
Genomic context (GRCh38, chr19:41,967,266, plus strand): 5'-GCTGCCCCCCGCCCCCCTCGGCTGCCTTGCCGAGCTCCCTCACCCCCTGGGTTCCTGCGC[A>G]GGATGAGTTTGCGGATTTCGTCGTAGACGAAGATGAGGAAACTGTAGGGGAAGGCACAGA-3'
Protein context (NP_689509.1, residues 989-1009): FVYDEIRKLI[Leu999Pro]RRNPGGWVEK